The following is an entry in ClinVar:

NM_172351.3(CD46):c.491C>A (p.Pro164Gln)

Gene: CD46 (CD46 molecule; plus strand). Cytogenetic location: 1q32.2.
Variant type: single nucleotide variant.
Coding change: c.491C>A on transcript NM_172351.3 (MANE Select); coding-DNA position 491, C replaced by A.
Protein change: p.Pro164Gln; replaces proline 164 with glutamine.
Molecular consequence: missense variant.
Genome position (GRCh38, 1-based): chr1:207,761,264, C>A. VCF-style: chr1-207761264-C-A. GRCh37 (hg19) VCF-style: chr1-207934609-C-A.
Other names: c.491C>A, p.Pro164Gln (NM_002389.4, NM_153826.4, NM_172350.3 and 8 more transcripts); short protein forms P164Q.
Identifiers: ClinVar variation 1417252 (VCV001417252.9), dbSNP rs746757476, ClinGen allele CA1371657.

ClinVar aggregate classification (germline): Uncertain significance. Review status: criteria provided, multiple submitters, no conflicts (2 of 4 stars). 2 submissions from 2 submitters: Uncertain significance (2). Last evaluated 2024-03-15.

Conditions:
Atypical hemolytic-uremic syndrome with MCP/CD46 anomaly. Also called: HEMOLYTIC UREMIC SYNDROME, ATYPICAL, SUSCEPTIBILITY TO, 2; AHUS, SUSCEPTIBILITY TO, 2. Identifiers: Orphanet 2134, MedGen C2752040, MONDO:0013040, OMIM 612922.

Allele frequency attached by ClinVar (database versions not stated): TOPMed 0.00002; gnomAD 0.00003.
gnomAD v4.1: 24 of 1,606,916 alleles (0.0015%); highest among the groups gnomAD compares: Non-Finnish European, 0.002%; no homozygotes.

Submissions (2):

MVZ Medizinische Genetik Mainz
Classification: Uncertain significance for Atypical hemolytic-uremic syndrome with MCP/CD46 anomaly. Last evaluated: 2024-03-15. Review status: criteria provided, single submitter. Criteria: UK Practice Guidelines For Variant Classification V4 01 2020. Collection method: clinical testing. Allele origin: germline. Inheritance: Autosomal dominant inheritance. Affected: yes. Observed: 1 variant allele.
Comment: ACMG Criteria: PS4_SUP,PM1_SUP,PM2_SUP,PM5_SUP

Labcorp Genetics (formerly Invitae), Labcorp
Classification: Uncertain significance. Last evaluated: 2023-11-28. Review status: criteria provided, single submitter. Criteria: Invitae Variant Classification Sherloc (09022015). Collection method: clinical testing. Allele origin: germline.
Comment: This sequence change replaces proline, which is neutral and non-polar, with glutamine, which is neutral and polar, at codon 164 of the CD46 protein (p.Pro164Gln). This variant is present in population databases (rs746757476, gnomAD 0.009%). This variant has not been reported in the literature in individuals affected with CD46-related conditions. ClinVar contains an entry for this variant (Variation ID: 1417252). Advanced modeling of protein sequence and biophysical properties (such as structural, functional, and spatial information, amino acid conservation, physicochemical variation, residue mobility, and thermodynamic stability) has been performed at Invitae for this missense variant, however the output from this modeling did not meet the statistical confidence thresholds required to predict the impact of this variant on CD46 protein function. In summary, the available evidence is currently insufficient to determine the role of this variant in disease. Therefore, it has been classified as a Variant of Uncertain Significance.